The following is an entry in ClinVar:

ClinVar aggregate classification (germline): Uncertain significance (1 of 4 stars; one submission).

Submission:

Labcorp Genetics (formerly Invitae), Labcorp
Classification: Uncertain significance. Last evaluated: 2022-02-20. Review status: criteria provided, single submitter. Criteria: Invitae Variant Classification Sherloc (09022015). Collection method: clinical testing. Allele origin: germline.
Comment: This variant, c.1104_1106del, results in the deletion of 1 amino acid(s) of the CDH3 protein (p.Ile368del), but otherwise preserves the integrity of the reading frame. This variant is not present in population databases (gnomAD no frequency). This variant has not been reported in the literature in individuals affected with CDH3-related conditions. Experimental studies and prediction algorithms are not available or were not evaluated, and the functional significance of this variant is currently unknown. In summary, the available evidence is currently insufficient to determine the role of this variant in disease. Therefore, it has been classified as a Variant of Uncertain Significance.

NM_001793.6(CDH3):c.1104_1106del (p.Ile368del)

Gene: CDH3 (cadherin 3; plus strand). Cytogenetic location: 16q22.1.
Variant type: Deletion.
Coding change: c.1104_1106del on transcript NM_001793.6 (MANE Select); coding-DNA positions 1104 to 1106, 3 bases deleted (CAT; older notation c.1104_1106delCAT).
Protein change: p.Ile368del; deletes isoleucine 368.
Molecular consequence: inframe deletion.
Genome position (GRCh38, 1-based): chr16:68,682,409-68,682,411, CAT deleted; deleting any 3 consecutive bases within chr16:68,682,407-68,682,411 gives the same sequence; the c. name uses the placement nearest the transcript's 3' end. VCF-style (leftmost placement, unchanged base first): chr16-68682406-TATC-T. GRCh37 (hg19) VCF-style: chr16-68716309-TATC-T.
Other names: c.1104_1106del, p.Ile368del (NM_001317195.3); c.939_941del, p.Ile313del (NM_001317196.2); short protein forms I313del, I368del.
Identifiers: ClinVar variation 2100309 (VCV002100309.1), dbSNP rs1230955946, ClinGen allele CA723174396.